The following is an entry in ClinVar:

NM_015570.4(AUTS2):c.1858C>G (p.Arg620Gly)

Gene: AUTS2 (activator of transcription and developmental regulator AUTS2; plus strand). Cytogenetic location: 7q11.22.
Variant type: single nucleotide variant.
Coding change: c.1858C>G on transcript NM_015570.4 (MANE Select); coding-DNA position 1858, C replaced by G.
Protein change: p.Arg620Gly; replaces arginine 620 with glycine.
Molecular consequence: missense variant. On other transcripts: intron variant (1).
Genome position (GRCh38, 1-based): chr7:70,774,055, C>G. VCF-style: chr7-70774055-C-G. GRCh37 (hg19) VCF-style: chr7-70239041-C-G.
Other names: c.1831-1302C>G (NM_001127231.3); short protein forms R620G.
Identifiers: ClinVar variation 4741715 (VCV004741715.1).

ClinVar aggregate classification (germline): Uncertain significance (1 of 4 stars; one submission).

gnomAD v4.1: 35 of 1,614,078 alleles (0.0022%); highest among the groups gnomAD compares: Non-Finnish European, 0.0013%; no homozygotes.

Submission:

Labcorp Genetics (formerly Invitae), Labcorp
Classification: Uncertain significance. Last evaluated: 2026-02-01. Review status: criteria provided, single submitter. Criteria: Invitae Variant Classification Sherloc (09022015). Collection method: clinical testing. Allele origin: germline.
Comment: This sequence change replaces arginine, which is basic and polar, with glycine, which is neutral and non-polar, at codon 620 of the AUTS2 protein (p.Arg620Gly). This variant is present in population databases (rs577323013, gnomAD 0.01%). This variant has not been reported in the literature in individuals affected with AUTS2-related conditions. An algorithm developed to predict the effect of missense changes on protein structure and function (PolyPhen-2) suggests that this variant is likely to be disruptive. In summary, the available evidence is currently insufficient to determine the role of this variant in disease. Therefore, it has been classified as a Variant of Uncertain Significance.